The following is an entry in ClinVar:

NM_000836.4(GRIN2D):c.3965C>A (p.Thr1322Asn)

Gene: GRIN2D (glutamate ionotropic receptor NMDA type subunit 2D; plus strand). Cytogenetic location: 19q13.33.
Variant type: single nucleotide variant.
Coding change: c.3965C>A on transcript NM_000836.4 (MANE Select); coding-DNA position 3965, C replaced by A.
Protein change: p.Thr1322Asn; replaces threonine 1322 with asparagine.
Molecular consequence: missense variant.
Genome position (GRCh38, 1-based): chr19:48,443,891, C>A. VCF-style: chr19-48443891-C-A. GRCh37 (hg19) VCF-style: chr19-48947148-C-A.
Other names: short protein forms T1322N.
Identifiers: ClinVar variation 2895423 (VCV002895423.3), dbSNP rs1454153830, ClinGen allele CA406679228.

ClinVar aggregate classification (germline): Uncertain significance (1 of 4 stars; one submission).

Submission:

Labcorp Genetics (formerly Invitae), Labcorp
Classification: Uncertain significance. Last evaluated: 2023-03-22. Review status: criteria provided, single submitter. Criteria: Invitae Variant Classification Sherloc (09022015). Collection method: clinical testing. Allele origin: germline.
Comment: This sequence change replaces threonine, which is neutral and polar, with asparagine, which is neutral and polar, at codon 1322 of the GRIN2D protein (p.Thr1322Asn). This variant is not present in population databases (gnomAD no frequency). This variant has not been reported in the literature in individuals affected with GRIN2D-related conditions. Advanced modeling of protein sequence and biophysical properties (such as structural, functional, and spatial information, amino acid conservation, physicochemical variation, residue mobility, and thermodynamic stability) performed at Invitae indicates that this missense variant is not expected to disrupt GRIN2D protein function. In summary, the available evidence is currently insufficient to determine the role of this variant in disease. Therefore, it has been classified as a Variant of Uncertain Significance.